The following is an entry in ClinVar:

NM_032119.4(ADGRV1):c.8111T>C (p.Ile2704Thr)

Gene: ADGRV1 (adhesion G protein-coupled receptor V1; plus strand). Cytogenetic location: 5q14.3.
Variant type: single nucleotide variant.
Coding change: c.8111T>C on transcript NM_032119.4 (MANE Select); coding-DNA position 8111, T replaced by C.
Protein change: p.Ile2704Thr; replaces isoleucine 2704 with threonine.
Molecular consequence: missense variant. On other transcripts: non-coding transcript variant (1).
Genome position (GRCh38, 1-based): chr5:90,697,102, T>C. VCF-style: chr5-90697102-T-C. GRCh37 (hg19) VCF-style: chr5-89992919-T-C.
Other names: short protein forms I2704T.
Identifiers: ClinVar variation 499117 (VCV000499117.9), dbSNP rs748016344, ClinGen allele CA3340166.

ClinVar aggregate classification (germline): Uncertain significance. Review status: criteria provided, multiple submitters, no conflicts (2 of 4 stars). 2 submissions from 2 submitters: Uncertain significance (2). Last evaluated 2022-07-25.

Allele frequency attached by ClinVar (database versions not stated): ExAC 0.00001.

Submissions (2):

Labcorp Genetics (formerly Invitae), Labcorp
Classification: Uncertain significance. Last evaluated: 2022-07-25. Review status: criteria provided, single submitter. Criteria: Invitae Variant Classification Sherloc (09022015). Collection method: clinical testing. Allele origin: germline.
Comment: This sequence change replaces isoleucine, which is neutral and non-polar, with threonine, which is neutral and polar, at codon 2704 of the ADGRV1 protein (p.Ile2704Thr). This variant is present in population databases (rs748016344, gnomAD 0.0009%). This variant has not been reported in the literature in individuals affected with ADGRV1-related conditions. ClinVar contains an entry for this variant (Variation ID: 499117). Algorithms developed to predict the effect of missense changes on protein structure and function are either unavailable or do not agree on the potential impact of this missense change (SIFT: "Deleterious"; PolyPhen-2: "Possibly Damaging"; Align-GVGD: "Class C0"). In summary, the available evidence is currently insufficient to determine the role of this variant in disease. Therefore, it has been classified as a Variant of Uncertain Significance.

Eurofins Ntd Llc (ga)
Classification: Uncertain significance. Last evaluated: 2017-01-12. Review status: criteria provided, single submitter. Criteria: EGL Classification Definitions 2015. Collection method: clinical testing. Allele origin: germline. Observed: 1 variant allele, 1 heterozygote.